The following is an entry in ClinVar:

NM_001134665.3(TRMT10A):c.723dup (p.Ser242Ter)

Gene: TRMT10A (tRNA methyltransferase 10A; minus strand). Cytogenetic location: 4q23.
Variant type: Duplication.
Coding change: c.723dup on transcript NM_001134665.3 (MANE Select); coding-DNA position 723, one base duplicated (T; older notation c.723dupT).
Protein change: p.Ser242Ter; replaces serine 242 with a stop codon.
Molecular consequence: nonsense.
Genome position (GRCh38, 1-based): chr4:99,550,913, A duplicated on the plus strand (T on the coding strand, the reverse complement: TRMT10A is on the minus strand). VCF-style (leftmost placement, unchanged base first): chr4-99550912-T-TA. GRCh37 (hg19) VCF-style: chr4-100472069-T-TA.
Other names: c.723dup, p.Ser242Ter (NM_001134666.3, NM_001375880.1, NM_001375881.1 and 1 more transcripts); c.702dup, p.Ser235Ter (NM_001375882.1); c.723dup (NM_152292.4); short protein forms S242*, S235*.
Identifiers: ClinVar variation 2169993 (VCV002169993.3), dbSNP rs1474724198, ClinGen allele CA553118534.

ClinVar aggregate classification (germline): Conflicting classifications of pathogenicity. Review status: criteria provided, conflicting classifications (1 of 4 stars). 2 submissions from 2 submitters: Likely pathogenic (1); Uncertain significance (1). Last evaluated 2023-06-15.

Allele frequency attached by ClinVar (database versions not stated): gnomAD 0.00001; gnomAD exomes 0.00001; TOPMed 0.00001.

Submissions (2):

GeneDx
Classification: Likely pathogenic. Last evaluated: 2023-06-15. Review status: criteria provided, single submitter. Criteria: GeneDx Variant Classification Process June 2021. Collection method: clinical testing. Allele origin: germline. Affected: yes.
Comment: Nonsense variant predicted to result in protein truncation, as the last 98 amino acids are lost, and other loss-of-function variants have been reported downstream at GeneDx; Not observed at significant frequency in large population cohorts (gnomAD); Has not been previously published as pathogenic or benign to our knowledge

Labcorp Genetics (formerly Invitae), Labcorp
Classification: Uncertain significance. Last evaluated: 2022-10-17. Review status: criteria provided, single submitter. Criteria: Invitae Variant Classification Sherloc (09022015). Collection method: clinical testing. Allele origin: germline.
Comment: This variant has not been reported in the literature in individuals affected with TRMT10A-related conditions. The frequency data for this variant in the population databases is considered unreliable, as metrics indicate poor data quality at this position in the gnomAD database. This sequence change creates a premature translational stop signal (p.Ser242*) in the TRMT10A gene. While this is not anticipated to result in nonsense mediated decay, it is expected to disrupt the last 98 amino acid(s) of the TRMT10A protein. Experimental studies and prediction algorithms are not available or were not evaluated, and the functional significance of this variant is currently unknown. Algorithms developed to predict the effect of sequence changes on RNA splicing suggest that this variant may disrupt the consensus splice site. In summary, the available evidence is currently insufficient to determine the role of this variant in disease. Therefore, it has been classified as a Variant of Uncertain Significance.